The following is an entry in ClinVar:

NM_033026.6(PCLO):c.6761A>G (p.Asp2254Gly)

Gene: PCLO (piccolo presynaptic cytomatrix protein; minus strand). Cytogenetic location: 7q21.11.
Variant type: single nucleotide variant.
Coding change: c.6761A>G on transcript NM_033026.6 (MANE Select); coding-DNA position 6761, A replaced by G.
Protein change: p.Asp2254Gly; replaces aspartic acid 2254 with glycine.
Molecular consequence: missense variant.
Genome position (GRCh38, 1-based): chr7:82,954,192, T>C on the plus strand (A>G on the coding strand, the complement: PCLO is on the minus strand). VCF-style: chr7-82954192-T-C. GRCh37 (hg19) VCF-style: chr7-82583508-T-C.
Other names: c.6761A>G, p.Asp2254Gly (NM_014510.3); short protein forms D2254G.
Identifiers: ClinVar variation 1976900 (VCV001976900.2), dbSNP rs529909914, ClinGen allele CA367918407.

ClinVar aggregate classification (germline): Uncertain significance (1 of 4 stars; one submission).

gnomAD v4.1: 6 of 1,613,490 alleles (0.00037%); highest among the groups gnomAD compares: Middle Eastern, 0.017%; no homozygotes.

Submission:

Labcorp Genetics (formerly Invitae), Labcorp
Classification: Uncertain significance. Last evaluated: 2022-08-22. Review status: criteria provided, single submitter. Criteria: Invitae Variant Classification Sherloc (09022015). Collection method: clinical testing. Allele origin: germline.
Comment: This sequence change replaces aspartic acid, which is acidic and polar, with glycine, which is neutral and non-polar, at codon 2254 of the PCLO protein (p.Asp2254Gly). This variant is not present in population databases (gnomAD no frequency). This variant has not been reported in the literature in individuals affected with PCLO-related conditions. Algorithms developed to predict the effect of missense changes on protein structure and function output the following: SIFT: "Tolerated"; PolyPhen-2: "Not Available"; Align-GVGD: "Class C0". The glycine amino acid residue is found in multiple mammalian species, which suggests that this missense change does not adversely affect protein function. Algorithms developed to predict the effect of sequence changes on RNA splicing suggest that this variant may create or strengthen a splice site. In summary, the available evidence is currently insufficient to determine the role of this variant in disease. Therefore, it has been classified as a Variant of Uncertain Significance.